The following is an entry in ClinVar:

ClinVar aggregate classification (germline): Uncertain significance. Review status: criteria provided, multiple submitters, no conflicts (2 of 4 stars). 5 submissions from 5 submitters: Uncertain significance (5). Last evaluated 2025-03-27.

Conditions:
Fanconi anemia complementation group J. Also called: BRIP1-Related Fanconi Anemia. Identifiers: Orphanet 84, MedGen C1836860, MONDO:0012187, OMIM 609054.
Familial cancer of breast. Also called: Hereditary breast cancer; hereditary breast carcinoma; BREAST CANCER, FAMILIAL. Identifiers: Orphanet 227535, MedGen C0346153, MONDO:0016419, OMIM 114480. Disease mechanism: loss of function.
Hereditary cancer-predisposing syndrome. Also called: Hereditary Cancer Syndrome; Neoplastic Syndromes, Hereditary; Tumor predisposition; Hereditary neoplastic syndrome. Identifiers: Orphanet 140162, MedGen C0027672, MeSH D009386, MONDO:0015356.

Allele frequency attached by ClinVar (database versions not stated): TOPMed below 0.00001.
gnomAD v4.1: 1 of 1,614,220 alleles (0.000062%); highest among the groups gnomAD compares: African/African-American, 0.0013%; no homozygotes.

Submissions (5):

Labcorp Genetics (formerly Invitae), Labcorp
Classification: Uncertain significance for Familial cancer of breast; Fanconi anemia complementation group J. Last evaluated: 2025-03-27. Review status: criteria provided, single submitter. Criteria: Invitae Variant Classification Sherloc (09022015). Collection method: clinical testing. Allele origin: germline.
Comment: This sequence change replaces lysine, which is basic and polar, with glutamine, which is neutral and polar, at codon 1040 of the BRIP1 protein (p.Lys1040Gln). This variant is not present in population databases (gnomAD no frequency). This variant has not been reported in the literature in individuals affected with BRIP1-related conditions. ClinVar contains an entry for this variant (Variation ID: 231890). Invitae Evidence Modeling of protein sequence and biophysical properties (such as structural, functional, and spatial information, amino acid conservation, physicochemical variation, residue mobility, and thermodynamic stability) indicates that this missense variant is not expected to disrupt BRIP1 protein function with a negative predictive value of 95%. In summary, the available evidence is currently insufficient to determine the role of this variant in disease. Therefore, it has been classified as a Variant of Uncertain Significance.

Ambry Genetics
Classification: Uncertain significance for Hereditary cancer-predisposing syndrome. Last evaluated: 2024-12-06. Review status: criteria provided, single submitter. Criteria: Ambry Variant Classification Scheme 2023. Collection method: clinical testing. Allele origin: germline.
Comment: The p.K1040Q variant (also known as c.3118A>C), located in coding exon 19 of the BRIP1 gene, results from an A to C substitution at nucleotide position 3118. The lysine at codon 1040 is replaced by glutamine, an amino acid with similar properties. This amino acid position is not well conserved in available vertebrate species. In addition, this alteration is predicted to be tolerated by in silico analysis. Since supporting evidence is limited at this time, the clinical significance of this alteration remains unclear.

Color Diagnostics, LLC DBA Color Health
Classification: Uncertain significance for Hereditary cancer-predisposing syndrome. Last evaluated: 2024-03-07. Review status: criteria provided, single submitter. Criteria: ACMG Guidelines, 2015. Collection method: clinical testing. Allele origin: germline.
Comment: This missense variant replaces lysine with glutamine at codon 1040 of the BRIP1 protein. Computational prediction suggests that this variant may not impact protein structure and function (internally defined REVEL score threshold <= 0.5, PMID: 27666373). To our knowledge, functional studies have not been reported for this variant. This variant has not been reported in individuals affected with hereditary cancer in the literature. This variant has not been identified in the general population by the Genome Aggregation Database (gnomAD). The available evidence is insufficient to determine the role of this variant in disease conclusively. Therefore, this variant is classified as a Variant of Uncertain Significance.

Baylor Genetics
Classification: Uncertain significance for Familial cancer of breast. Last evaluated: 2024-01-24. Review status: criteria provided, single submitter. Criteria: ACMG Guidelines, 2015. Collection method: clinical testing. Allele origin: unknown.

GeneDx
Classification: Uncertain significance. Last evaluated: 2024-01-10. Review status: criteria provided, single submitter. Criteria: GeneDx Variant Classification Process June 2021. Collection method: clinical testing. Allele origin: germline. Affected: yes.
Comment: Not observed at significant frequency in large population cohorts (gnomAD); In silico analysis supports that this missense variant does not alter protein structure/function; Has not been previously published as pathogenic or benign to our knowledge; This variant is associated with the following publications: (PMID: 11301010)

NM_032043.3(BRIP1):c.3118A>C (p.Lys1040Gln)

Gene: BRIP1 (BRCA1 interacting DNA helicase 1; minus strand). Cytogenetic location: 17q23.2.
Variant type: single nucleotide variant.
Coding change: c.3118A>C on transcript NM_032043.3 (MANE Select); coding-DNA position 3118, A replaced by C.
Protein change: p.Lys1040Gln; replaces lysine 1040 with glutamine.
Molecular consequence: missense variant.
Genome position (GRCh38, 1-based): chr17:61,683,928, T>G on the plus strand (A>C on the coding strand, the complement: BRIP1 is on the minus strand). VCF-style: chr17-61683928-T-G. GRCh37 (hg19) VCF-style: chr17-59761289-T-G.
Other names: short protein forms K1040Q.
Identifiers: ClinVar variation 231890 (VCV000231890.19), dbSNP rs876659428, ClinGen allele CA10580782.